The following is an entry in ClinVar:

NM_001148.6(ANK2):c.1949A>C (p.Asn650Thr)

Gene: ANK2 (ankyrin 2; plus strand). Cytogenetic location: 4q26.
Variant type: single nucleotide variant.
Coding change: c.1949A>C on transcript NM_001148.6 (MANE Select); coding-DNA position 1949, A replaced by C.
Protein change: p.Asn650Thr; replaces asparagine 650 with threonine.
Molecular consequence: missense variant.
Genome position (GRCh38, 1-based): chr4:113,282,742, A>C. VCF-style: chr4-113282742-A-C. GRCh37 (hg19) VCF-style: chr4-114203898-A-C.
Other names: c.1886A>C, p.Asn629Thr (NM_001127493.3, NM_001354239.2, NM_001354243.2 and 10 more transcripts); c.1949A>C, p.Asn650Thr (NM_001354225.2, NM_001354228.2, NM_001354232.2 and 6 more transcripts); c.1994A>C, p.Asn665Thr (NM_001354230.2, NM_001354231.2, NM_001354237.2 and 5 more transcripts); c.1850A>C, p.Asn617Thr (NM_001354245.2, NM_001354268.2); c.1862A>C, p.Asn621Thr (NM_001354249.2, NM_001354264.2, NM_001354266.2 and 10 more transcripts); c.1787A>C, p.Asn596Thr (NM_001354253.2, NM_001354257.2, NM_001354270.2 and 1 more transcripts); c.1763A>C, p.Asn588Thr (NM_001354260.2, NM_001354271.2, NM_001386151.1); c.1907A>C, p.Asn636Thr (NM_001354261.2, NM_001386147.1, NM_001386160.1); and 8 more; short protein forms N650T, N629T, N596T, N665T, N580T, N588T, N636T, N555T.
Identifiers: ClinVar variation 406482 (VCV000406482.7), dbSNP rs191468663, ClinGen allele CA16611571.

ClinVar aggregate classification (germline): Uncertain significance (1 of 4 stars; one submission).

Conditions:
Long QT syndrome (LQTS). Identifiers: MedGen C0023976, MeSH D008133, MONDO:0002442. Disease mechanism: loss of function. Inheritance: Various modes of inheritance.

Allele frequency attached by ClinVar (database versions not stated): TOPMed below 0.00001.
gnomAD v4.1: 1 of 1,613,956 alleles (0.000062%); highest among the groups gnomAD compares: African/African-American, 0.0013%; no homozygotes.

Submission:

Labcorp Genetics (formerly Invitae), Labcorp
Classification: Uncertain significance for Long QT syndrome. Last evaluated: 2020-07-13. Review status: criteria provided, single submitter. Criteria: Invitae Variant Classification Sherloc (09022015). Collection method: clinical testing. Allele origin: germline.
Comment: In summary, this variant is a novel missense change that is not predicted to affect protein function. There is no indication that it causes disease, but the available evidence is currently insufficient to prove that conclusively. Therefore, it has been classified as a Variant of Uncertain Significance. Algorithms developed to predict the effect of missense changes on protein structure and function (SIFT, PolyPhen-2, Align-GVGD) all suggest that this variant is likely to be tolerated, but these predictions have not been confirmed by published functional studies. This variant is not present in population databases (ExAC no frequency) and has not been reported in the literature in individuals with an ANK2-related disease. This sequence change replaces asparagine with threonine at codon 650 of the ANK2 protein (p.Asn650Thr). The asparagine residue is weakly conserved and there is a small physicochemical difference between asparagine and threonine.